The following is an entry in ClinVar:

NM_001873.4(CPE):c.1213+10T>C

Gene: CPE (carboxypeptidase E; plus strand). Cytogenetic location: 4q32.3.
Variant type: single nucleotide variant.
Coding change: c.1213+10T>C on transcript NM_001873.4 (MANE Select); 10 bases into the intron after coding-DNA position 1213, T replaced by C.
Molecular consequence: intron variant.
Genome position (GRCh38, 1-based): chr4:165,493,280, T>C. VCF-style: chr4-165493280-T-C. GRCh37 (hg19) VCF-style: chr4-166414432-T-C.
Identifiers: ClinVar variation 4981595 (VCV004981595.1).

ClinVar aggregate classification (germline): Likely benign (1 of 4 stars; one submission).

Conditions:
CPE-related disorder. Also called: CPE-related condition.

gnomAD v4.1: 2 of 1,586,456 alleles (0.00013%); highest among the groups gnomAD compares: East Asian, 0.0022%; no homozygotes.

Submission:

PreventionGenetics, part of Exact Sciences
Classification: Likely benign for CPE-related condition. Last evaluated: 2026-05-14. Review status: criteria provided, single submitter. Criteria: ACMG Guidelines, 2015. Collection method: clinical testing. Allele origin: germline.
Comment: This variant is classified as likely benign based on ACMG/AMP sequence variant interpretation guidelines (Richards et al. 2015 PMID: 25741868, with internal and published modifications).